The following is an entry in ClinVar:

ClinVar aggregate classification (germline): Likely benign (0 of 4 stars; one submission).

Conditions:
MUC16-related disorder. Also called: MUC16-related condition.

Allele frequency attached by ClinVar (database versions not stated): ESP Exome Variant Server 0.00032.

Submission:

PreventionGenetics, part of Exact Sciences
Classification: Likely benign for MUC16-related condition. Last evaluated: 2022-04-18. Review status: no assertion criteria provided. Collection method: clinical testing. Allele origin: germline.
Comment: This variant is classified as likely benign based on ACMG/AMP sequence variant interpretation guidelines (Richards et al. 2015 PMID: 25741868, with internal and published modifications).

NM_001401501.2(MUC16):c.9172A>G (p.Ser3058Gly)

Gene: MUC16 (mucin 16, cell surface associated; minus strand). Cytogenetic location: 19p13.2.
Variant type: single nucleotide variant.
Coding change: c.9172A>G on transcript NM_001401501.2 (MANE Select); coding-DNA position 9172, A replaced by G.
Protein change: p.Ser3058Gly; replaces serine 3058 with glycine.
Molecular consequence: missense variant.
Genome position (GRCh38, 1-based): chr19:8,972,087, T>C on the plus strand (A>G on the coding strand, the complement: MUC16 is on the minus strand). VCF-style: chr19-8972087-T-C. GRCh37 (hg19) VCF-style: chr19-9082763-T-C.
Other names: c.9598A>G, p.Ser3200Gly (NM_001414686.1); c.9052A>G, p.Ser3018Gly (NM_001414687.1, NM_024690.2); short protein forms S3018G, S3058G, S3200G.
Identifiers: ClinVar variation 3032957 (VCV003032957.2), dbSNP rs377236794, ClinGen allele CA9171843.